The following is an entry in ClinVar:

NM_006766.5(KAT6A):c.3392G>A (p.Arg1131His)

Gene: KAT6A (lysine acetyltransferase 6A; minus strand). Cytogenetic location: 8p11.21.
Variant type: single nucleotide variant.
Coding change: c.3392G>A on transcript NM_006766.5 (MANE Select); coding-DNA position 3392, G replaced by A.
Protein change: p.Arg1131His; replaces arginine 1131 with histidine.
Molecular consequence: missense variant.
Genome position (GRCh38, 1-based): chr8:41,934,828, C>T on the plus strand (G>A on the coding strand, the complement: KAT6A is on the minus strand). VCF-style: chr8-41934828-C-T. GRCh37 (hg19) VCF-style: chr8-41792346-C-T.
Other names: short protein forms R1131H.
Identifiers: ClinVar variation 1221162 (VCV001221162.9), dbSNP rs141610909, ClinGen allele CA4729680.

ClinVar aggregate classification (germline): Benign/Likely benign. Review status: criteria provided, multiple submitters, no conflicts (2 of 4 stars). 3 submissions from 3 submitters: Benign (2); Likely benign (1). Last evaluated 2025-12-30.

Conditions:
Inborn genetic diseases. Identifiers: MedGen C0950123, MeSH D030342.

Allele frequency attached by ClinVar (database versions not stated): gnomAD exomes 0.00002 and 0.00005; ExAC 0.00008; gnomAD 0.00024; TOPMed 0.00027; ESP Exome Variant Server 0.00046; 1000 Genomes Project 30x 0.00047; 1000 Genomes Project 0.00060.
gnomAD v4.1: 58 of 1,612,476 alleles (0.0036%); highest among the groups gnomAD compares: African/African-American, 0.059%; no homozygotes.

Submissions (3):

Labcorp Genetics (formerly Invitae), Labcorp
Classification: Benign. Last evaluated: 2025-12-30. Review status: criteria provided, single submitter. Criteria: Invitae Variant Classification Sherloc (09022015). Collection method: clinical testing. Allele origin: germline.

Ambry Genetics
Classification: Likely benign for Inborn genetic diseases. Last evaluated: 2022-05-05. Review status: criteria provided, single submitter. Criteria: Ambry Variant Classification Scheme 2023. Collection method: clinical testing. Allele origin: germline.

GeneDx
Classification: Benign. Last evaluated: 2021-04-12. Review status: criteria provided, single submitter. Criteria: GeneDx Variant Classification Process June 2021. Collection method: clinical testing. Allele origin: germline. Affected: yes.
Comment: This variant is associated with the following publications: (PMID: 31981491)